The following is an entry in ClinVar:

ClinVar aggregate classification (germline): Conflicting classifications of pathogenicity. Review status: criteria provided, conflicting classifications (1 of 4 stars). 5 submissions from 5 submitters: Pathogenic (1); Likely pathogenic (1); Uncertain significance (2). 1 of the submissions does not count toward it. Last evaluated 2022-07-05.

Conditions:
Inborn genetic diseases. Identifiers: MedGen C0950123, MeSH D030342.
Familial long QT syndrome (RWS). Also called: Congenital long QT syndrome; Romano-Ward syndrome; VENTRICULAR FIBRILLATION WITH PROLONGED QT INTERVAL. Identifiers: Orphanet 768, MedGen C1141890, MONDO:0019171.
Long QT syndrome (LQTS). Identifiers: MedGen C0023976, MeSH D008133, MONDO:0002442. Disease mechanism: loss of function. Inheritance: Various modes of inheritance.

Submissions (5):

Clinical Genetics Laboratory, Skane University Hospital Lund
Classification: Likely pathogenic. Last evaluated: 2022-07-05. Review status: criteria provided, single submitter. Criteria: ACMG Guidelines, 2015. Collection method: clinical testing. Allele origin: germline. Affected: yes.

Labcorp Genetics (formerly Invitae), Labcorp
Classification: Pathogenic for Long QT syndrome. Last evaluated: 2022-02-04. Review status: criteria provided, single submitter. Criteria: Invitae Variant Classification Sherloc (09022015). Collection method: clinical testing. Allele origin: germline.
Comment: This missense change has been observed in individuals with clinical features of long QT syndrome (PMID: 22949429; Invitae). It has also been observed to segregate with disease in related individuals. For these reasons, this variant has been classified as Pathogenic. Algorithms developed to predict the effect of missense changes on protein structure and function (SIFT, PolyPhen-2, Align-GVGD) all suggest that this variant is likely to be disruptive. ClinVar contains an entry for this variant (Variation ID: 67359). This variant is not present in population databases (gnomAD no frequency). This sequence change replaces leucine, which is neutral and non-polar, with proline, which is neutral and non-polar, at codon 693 of the KCNH2 protein (p.Leu693Pro).

Ambry Genetics
Classification: Uncertain significance for Inborn genetic diseases. Last evaluated: 2017-05-09. Review status: criteria provided, single submitter. Criteria: Ambry exome assertion method (8-5-2015). Collection method: clinical testing. Allele origin: germline. Affected: yes. Observed: 1 variant allele.

GeneDx
Classification: Uncertain significance. Last evaluated: 2016-11-30. Review status: criteria provided, single submitter. Criteria: GeneDx Variant Classification (06012015). Collection method: clinical testing. Allele origin: germline. Affected: yes.
Comment: The L693P substitution in the KCNH2 gene has been reported in one patient with LQTS, and it was absent from 2,600 control alleles (Kapplinger J et al., 2009). Also, L693P was not observed in approximately 6,500 individuals of European and African American ancestry in the NHLBI Exome Sequencing Project, indicating it is not a common benign variant in these populations. L693P results in a semi-conservative amino acid substitution resulting in the gain of a sterically-constrained Proline residue at a position that is conserved across species. Variants in nearby residues (H687Y, R694H, R696C) have been reported in association with LQTS, further supporting the functional importance of this region of the protein. Also, in silico analysis predicts L693P is damaging to the protein structure/function. Given the available evidence, we interpret L693P as a variant of uncertain significance.

Cardiovascular Biomedical Research Unit, Royal Brompton & Harefield NHS Foundation Trust
No classification provided. Condition: Familial long QT syndrome. Review status: no classification provided. Collection method: literature only. Allele origin: germline. Not counted in ClinVar's aggregate classification.
Comment: This variant has been reported as associated with Long QT syndrome in the following publications (PMID:19716085;PMID:19841300). This is a literature report, and does not necessarily reflect the clinical interpretation of the Imperial College / Royal Brompton Cardiovascular Genetics laboratory.

Literature cited by the submitters: PubMed 22949429 (cited by Labcorp Genetics (formerly Invitae), Labcorp); PubMed 19716085 (cited by Ambry Genetics and Cardiovascular Biomedical Research Unit, Royal Brompton & Harefield NHS Foundation Trust); PubMed 25417810 (cited by Ambry Genetics); PubMed 19841300 (cited by Cardiovascular Biomedical Research Unit, Royal Brompton & Harefield NHS Foundation Trust); PubMed 22581653 (cited by Cardiovascular Biomedical Research Unit, Royal Brompton & Harefield NHS Foundation Trust).

NM_000238.4(KCNH2):c.2078T>C (p.Leu693Pro)

Gene: KCNH2 (potassium voltage-gated channel subfamily H member 2; minus strand). Cytogenetic location: 7q36.1.
Variant type: single nucleotide variant.
Coding change: c.2078T>C on transcript NM_000238.4 (MANE Select); coding-DNA position 2078, T replaced by C.
Protein change: p.Leu693Pro; replaces leucine 693 with proline.
Molecular consequence: missense variant.
Genome position (GRCh38, 1-based): chr7:150,950,988, A>G on the plus strand (T>C on the coding strand, the complement: KCNH2 is on the minus strand). VCF-style: chr7-150950988-A-G. GRCh37 (hg19) VCF-style: chr7-150648076-A-G.
Other names: p.L693P:CTG>CCG; c.2078T>C (LRG_288t1); c.1058T>C, p.Leu353Pro (NM_001204798.2, NM_172057.3); c.1790T>C, p.Leu597Pro (NM_001406753.1, NM_001406756.1); c.1901T>C, p.Leu634Pro (NM_001406755.1); c.1778T>C, p.Leu593Pro (NM_001406757.1); c.2078T>C, p.Leu693Pro (NM_172056.3); short protein forms L353P, L693P, L593P, L597P, L634P.
Identifiers: ClinVar variation 67359 (VCV000067359.12), dbSNP rs199472983, ClinGen allele CA006194.